The following is an entry in ClinVar:

NM_000245.4(MET):c.2098A>G (p.Lys700Glu)

Gene: MET (MET proto-oncogene, receptor tyrosine kinase; plus strand). Cytogenetic location: 7q31.2.
Variant type: single nucleotide variant.
Coding change: c.2098A>G on transcript NM_000245.4 (MANE Select); coding-DNA position 2098, A replaced by G.
Protein change: p.Lys700Glu; replaces lysine 700 with glutamic acid.
Molecular consequence: missense variant.
Genome position (GRCh38, 1-based): chr7:116,757,770, A>G. VCF-style: chr7-116757770-A-G. GRCh37 (hg19) VCF-style: chr7-116397824-A-G.
Other names: c.808A>G, p.Lys270Glu (NM_001324402.2); c.2098A>G, p.Lys700Glu (NM_001127500.3, NM_001324401.3); short protein forms K700E, K270E.
Identifiers: ClinVar variation 4106760 (VCV004106760.1).

ClinVar aggregate classification (germline): Uncertain significance (1 of 4 stars; one submission).

Conditions:
Hereditary cancer-predisposing syndrome. Also called: Tumor predisposition; Neoplastic Syndromes, Hereditary; Hereditary neoplastic syndrome; Hereditary Cancer Syndrome. Identifiers: Orphanet 140162, MedGen C0027672, MeSH D009386, MONDO:0015356.

gnomAD v4.1: 1 of 1,613,832 alleles (0.000062%); highest among the groups gnomAD compares: Non-Finnish European, 0.000085%; no homozygotes.

Submission:

Ambry Genetics
Classification: Uncertain significance for Hereditary cancer-predisposing syndrome. Last evaluated: 2025-07-07. Review status: criteria provided, single submitter. Criteria: Ambry Variant Classification Scheme 2023. Collection method: clinical testing. Allele origin: germline.
Comment: The p.K700E variant (also known as c.2098A>G), located in coding exon 7 of the MET gene, results from an A to G substitution at nucleotide position 2098. The lysine at codon 700 is replaced by glutamic acid, an amino acid with similar properties. This amino acid position is conserved. In addition, the in silico prediction for this alteration is inconclusive. Based on the available evidence, the clinical significance of this variant remains unclear.